The following is an entry in ClinVar:

NM_000038.6(APC):c.1259G>T (p.Cys420Phe)

Gene: APC (APC regulator of Wnt signaling pathway; plus strand). Cytogenetic location: 5q22.2.
Variant type: single nucleotide variant.
Coding change: c.1259G>T on transcript NM_000038.6 (MANE Select); coding-DNA position 1259, G replaced by T.
Protein change: p.Cys420Phe; replaces cysteine 420 with phenylalanine.
Molecular consequence: missense variant.
Genome position (GRCh38, 1-based): chr5:112,819,291, G>T. VCF-style: chr5-112819291-G-T. GRCh37 (hg19) VCF-style: chr5-112154988-G-T.
Other names: c.1259G>T, p.Cys420Phe (NM_001127510.3, NM_001354895.2, NM_001354896.2); c.1205G>T, p.Cys402Phe (NM_001127511.3); c.1289G>T, p.Cys430Phe (NM_001354897.2); c.1184G>T, p.Cys395Phe (NM_001354898.2); c.1175G>T, p.Cys392Phe (NM_001354899.2); c.1082G>T, p.Cys361Phe (NM_001354900.2, NM_001354901.2); c.986G>T, p.Cys329Phe (NM_001354902.2); c.956G>T, p.Cys319Phe (NM_001354903.2); and 3 more; short protein forms C402F, C420F, C260F, C137F, C294F, C392F, C430F, C319F.
Identifiers: ClinVar variation 489411 (VCV000489411.20), dbSNP rs1367937646, ClinGen allele CA16024059.
Genomic context (GRCh38, chr5:112,819,291, plus strand): 5'-GCAGGCGTGAAATCCGAGTCCTTCATCTTTTGGAACAGATACGCGCTTACTGTGAAACCT[G>T]TTGGGAGTGGCAGGAAGCTCATGAACCAGGCATGGACCAGGACAAAAATCCAAGTATGTT-3'
Protein context (NP_000029.2, residues 410-430): LEQIRAYCET[Cys420Phe]WEWQEAHEPG

ClinVar aggregate classification (germline): Uncertain significance. Review status: criteria provided, multiple submitters, no conflicts (2 of 4 stars). 4 submissions from 4 submitters: Uncertain significance (4). Last evaluated 2025-10-13.

Conditions:
Familial adenomatous polyposis 1 (FAP1). Also called: POLYPOSIS, ADENOMATOUS INTESTINAL; FAMILIAL ADENOMATOUS POLYPOSIS 1, ATTENUATED. Identifiers: MedGen C2713442, MONDO:0021056, OMIM 175100. Disease mechanism: loss of function.
Hereditary cancer-predisposing syndrome. Also called: Hereditary Cancer Syndrome; Neoplastic Syndromes, Hereditary; Tumor predisposition; Hereditary neoplastic syndrome. Identifiers: Orphanet 140162, MedGen C0027672, MeSH D009386, MONDO:0015356.

gnomAD v4.1: 4 of 1,614,070 alleles (0.00025%); highest among the groups gnomAD compares: East Asian, 0.0067%; no homozygotes.

Submissions (4):

Labcorp Genetics (formerly Invitae), Labcorp
Classification: Uncertain significance for Familial adenomatous polyposis 1. Last evaluated: 2025-10-13. Review status: criteria provided, single submitter. Criteria: Invitae Variant Classification Sherloc (09022015). Collection method: clinical testing. Allele origin: germline.
Comment: This sequence change replaces cysteine, which is neutral and slightly polar, with phenylalanine, which is neutral and non-polar, at codon 420 of the APC protein (p.Cys420Phe). This variant is not present in population databases (gnomAD no frequency). This variant has not been reported in the literature in individuals affected with APC-related conditions. ClinVar contains an entry for this variant (Variation ID: 489411). Invitae Evidence Modeling of protein sequence and biophysical properties (such as structural, functional, and spatial information, amino acid conservation, physicochemical variation, residue mobility, and thermodynamic stability) indicates that this missense variant is not expected to disrupt APC protein function with a negative predictive value of 95%. In summary, the available evidence is currently insufficient to determine the role of this variant in disease. Therefore, it has been classified as a Variant of Uncertain Significance.

Women's Health and Genetics/Laboratory Corporation of America, LabCorp
Classification: Uncertain significance. Last evaluated: 2025-07-31. Review status: criteria provided, single submitter. Criteria: LabCorp Variant Classification Summary - May 2015. Collection method: clinical testing. Allele origin: germline.
Comment: Variant summary: APC c.1259G>T (p.Cys420Phe) results in a non-conservative amino acid change in the encoded protein sequence. Algorithms developed to predict the effect of missense changes on protein structure and function all suggest that this variant is likely to be disruptive. The variant was absent in 250718 control chromosomes. The available data on variant occurrences in the general population are insufficient to allow any conclusion about variant significance. To our knowledge, no occurrence of c.1259G>T in individuals affected with Familial Adenomatous Polyposis and no experimental evidence demonstrating its impact on protein function have been reported. ClinVar contains an entry for this variant (Variation ID: 489411). Based on the evidence outlined above, the variant was classified as uncertain significance.

Color Diagnostics, LLC DBA Color Health
Classification: Uncertain significance for Hereditary cancer-predisposing syndrome. Last evaluated: 2024-09-09. Review status: criteria provided, single submitter. Criteria: ACMG Guidelines, 2015. Collection method: clinical testing. Allele origin: germline.
Comment: This missense variant replaces cysteine with phenylalanine at codon 420 of the APC protein. Computational prediction is inconclusive regarding the impact of this variant on protein structure and function (internally defined REVEL score threshold 0.5 < inconclusive < 0.7, PMID: 27666373). To our knowledge, functional studies have not been reported for this variant. This variant has not been reported in individuals affected with APC-related disorders in the literature. This variant has not been identified in the general population by the Genome Aggregation Database (gnomAD). The available evidence is insufficient to determine the role of this variant in disease conclusively. Therefore, this variant is classified as a Variant of Uncertain Significance.

Ambry Genetics
Classification: Uncertain significance for Hereditary cancer-predisposing syndrome. Last evaluated: 2023-08-01. Review status: criteria provided, single submitter. Criteria: Ambry Variant Classification Scheme 2023. Collection method: clinical testing. Allele origin: germline.
Comment: The p.C420F variant (also known as c.1259G>T), located in coding exon 9 of the APC gene, results from a G to T substitution at nucleotide position 1259. The cysteine at codon 420 is replaced by phenylalanine, an amino acid with highly dissimilar properties. This amino acid position is highly conserved in available vertebrate species. In addition, in silico predictors for this gene do not accurately predict pathogenicity. Since supporting evidence is limited at this time, the clinical significance of this alteration remains unclear.